The following continues an entry in ClinVar:

NM_000257.4(MYH7):c.77C>T (p.Ala26Val)

Gene: MYH7. ClinVar aggregate classification (germline): Benign. Benign (1).

Submissions 15 to 22 of 22:

Ambry Genetics
Classification: Likely benign for Cardiovascular phenotype. Last evaluated: 2016-10-27. Review status: criteria provided, single submitter. Criteria: Ambry Variant Classification Scheme 2023. Collection method: clinical testing. Allele origin: germline. Not counted in ClinVar's aggregate classification.

Stanford Center for Inherited Cardiovascular Disease, Stanford University
Classification: Likely benign. Last evaluated: 2016-08-22. Review status: criteria provided, single submitter. Criteria: ACMG Guidelines, 2015. Collection method: provider interpretation. Allele origin: germline. Not counted in ClinVar's aggregate classification.

Soonchunhyang University Bucheon Hospital, Soonchunhyang University Medical Center
Classification: Uncertain significance for Hypertrophic cardiomyopathy 1. Last evaluated: 2016-03-18. Review status: criteria provided, single submitter. Criteria: ACMG Guidelines, 2015. Collection method: reference population. Allele origin: germline. Observed: 3 variant alleles. Not counted in ClinVar's aggregate classification.

Genomic Diagnostic Laboratory, Division of Genomic Diagnostics, Children's Hospital of Philadelphia
Classification: Uncertain significance for Familial hypertrophic cardiomyopathy 1. Last evaluated: 2015-10-12. Review status: criteria provided, single submitter. Criteria: DGD Variant Analysis Guidelines. Collection method: clinical testing. Allele origin: unknown. Not counted in ClinVar's aggregate classification.

GeneDx
Classification: Likely benign. Last evaluated: 2015-08-11. Review status: criteria provided, single submitter. Criteria: GeneDx Variant Classification (06012015). Collection method: clinical testing. Allele origin: germline. Affected: yes. Not counted in ClinVar's aggregate classification.
Comment: This variant is considered likely benign or benign based on one or more of the following criteria: it is a conservative change, it occurs at a poorly conserved position in the protein, it is predicted to be benign by multiple in silico algorithms, and/or has population frequency not consistent with disease.

Biesecker Lab/Clinical Genomics Section, National Institutes of Health
Classification: Benign for Cardiomyopathy, hypertrophic. Last evaluated: 2013-06-24. Review status: criteria provided, single submitter. Criteria: Ng et al. (Circ Cardiovasc Genet. 2013). Collection method: research. Allele origin: unknown. Observed: 1 variant allele. Study: ClinSeq. Not counted in ClinVar's aggregate classification.
Comment: The study set was not selected for affection status in relation to any cancer. Pathogenicity categories were based on literature curation. See Pubmed ID:23861362 for details.

Medical sequencing

Laboratory for Molecular Medicine, Mass General Brigham Personalized Medicine
Classification: Likely benign. Last evaluated: 2012-12-12. Review status: criteria provided, single submitter. Criteria: LMM Criteria. Collection method: clinical testing. Allele origin: germline. Observed: 2 variant alleles. Not counted in ClinVar's aggregate classification.
Comment: Ala26Val in exon 3 of MYH7: This variant has been reported in 10 HCM probands of Asian descent and was absent from 832 race-matched control chromosomes (Konno 2 005, Liu 2005, Song 2005, Wang 2009). However, one of the probands had another p athogenic HCM variant on the same copy of the gene which segregated with all 8 a ffected family members (Wang 2009). Although segregation in 3 family members was observed in one other family, an additional 5 individuals had the variant witho ut disease including three over age 70 (Liu 2005). Our laboratory has observed t his variant in one HCM proband and one DCM proband, neither with a family histor y of disease, out of over 3500 cases tested (1/215 Asian probands). This variant has been observed in 1.5% (6/388) of Chinese chromosomes in a broad population (1000 Genomes project, rs186964570), suggesting that it is not disease causing i n isolation. Computational analyses (biochemical amino acid properties, conserva tion, AlignGVGD, PolyPhen2, and SIFT) suggest that the Ala26Val variant is less likely to impact the protein, particularly given the lack of evolutionary conser vation in some mammalian species. In summary, the high frequency of this variant in Asians and poor evolutionary conservation suggest that this variant is benig n but additional data is needed to establish this with certainty. A modifying e ffect cannot be ruled out.

CSER _CC_NCGL, University of Washington
Classification: Uncertain significance for Cardiomyopathy, hypertrophic. Last evaluated: 2014-06-01. Review status: no assertion criteria provided. Collection method: research. Allele origin: germline. Inheritance: Autosomal dominant inheritance. Study: ESP 6500 variant annotation. Not counted in ClinVar's aggregate classification.
Comment: Variants classified for the Actionable exomic incidental findings in 6503 participants: challenges of variant classification manuscript

Literature cited by the submitters: PubMed 29300372 (cited by ClinGen Cardiomyopathy Variant Curation Expert Panel); PubMed 16137545 (cited by 4 submitters); PubMed 31918855 (cited by Women's Health and Genetics/Laboratory Corporation of America, LabCorp); PubMed 19645038 (cited by 4 submitters); PubMed 26458567 (cited by Athena Diagnostics); PubMed 23711808 (cited by Athena Diagnostics); PubMed 20975235 (cited by Athena Diagnostics); PubMed 23299917 (cited by Athena Diagnostics); PubMed 23861362 (cited by Athena Diagnostics); PubMed 27082122 (cited by Athena Diagnostics); PubMed 15563892 (cited by 4 submitters); PubMed 17476457 (cited by Athena Diagnostics); PubMed 18383048 (cited by Athena Diagnostics); PubMed 27707468 (cited by Athena Diagnostics); PubMed 23403236 (cited by Athena Diagnostics); PubMed 16253604 (cited by Athena Diagnostics); PubMed 16115294 (cited by Athena Diagnostics and Laboratory for Molecular Medicine, Mass General Brigham Personalized Medicine); PubMed 22763267 (cited by Athena Diagnostics and Illumina Laboratory Services, Illumina); PubMed 19149795 (cited by Athena Diagnostics); PubMed 8533830 (cited by Laboratory for Molecular Medicine, Mass General Brigham Personalized Medicine).